The following is an entry in ClinVar:

NM_000334.4(SCN4A):c.8G>C (p.Arg3Thr)

Gene: SCN4A (sodium voltage-gated channel alpha subunit 4; minus strand). Cytogenetic location: 17q23.3.
Variant type: single nucleotide variant.
Coding change: c.8G>C on transcript NM_000334.4 (MANE Select); coding-DNA position 8, G replaced by C.
Protein change: p.Arg3Thr; replaces arginine 3 with threonine.
Molecular consequence: missense variant.
Genome position (GRCh38, 1-based): chr17:63,972,834, C>G on the plus strand (G>C on the coding strand, the complement: SCN4A is on the minus strand). VCF-style: chr17-63972834-C-G. GRCh37 (hg19) VCF-style: chr17-62050194-C-G.
Other names: short protein forms R3T.
Identifiers: ClinVar variation 543812 (VCV000543812.12), dbSNP rs764134362, ClinGen allele CA8710309.

ClinVar aggregate classification (germline): Uncertain significance. Review status: criteria provided, multiple submitters, no conflicts (2 of 4 stars). 3 submissions from 3 submitters: Uncertain significance (3). Last evaluated 2025-12-10.

Conditions:
Hyperkalemic periodic paralysis. Also called: Familial hyperkalemic periodic paralysis; Gamstorp disease. Identifiers: Orphanet 682, MedGen C0238357, MONDO:0008224, OMIM 170500, HP:0007215.
Congenital myasthenic syndrome 16. Identifiers: Orphanet 590, MedGen C3280112, MONDO:0013620, OMIM 614198.
Paramyotonia congenita of Von Eulenburg. Also called: Myotonia congenita intermittens; Von Eulenburg paramyotonia congenita; Paramyotonia Congenita; PARALYSIS PERIODICA PARAMYOTONICA; Eulenburg disease. Identifiers: Orphanet 684, MedGen C0221055, MONDO:0008195, OMIM 168300. Disease mechanism: loss of function.
Congenital myopathy 22A, classic (CMYO22A). Identifiers: MedGen C5830453, MONDO:0957247, OMIM 620351.
Congenital myopathy 22B, severe fetal (CMYO22B). Identifiers: MedGen C5830501, MONDO:0957265, OMIM 620369.
Hypokalemic periodic paralysis, type 2 (HOKPP2). Identifiers: Orphanet 681, MedGen C2750061, MONDO:0013234, OMIM 613345.
Potassium-aggravated myotonia. Also called: Myotonia congenita, atypical, acetazolamide-responsive; MYOTONIA CONGENITA, ACETAZOLAMIDE-RESPONSIVE; MYOTONIA CONGENITA, ATYPICAL; SODIUM CHANNEL MUSCLE DISEASE. Identifiers: Orphanet 612, Orphanet 99734, Orphanet 99735, Orphanet 99736, MedGen C2931826, MONDO:0018959, OMIM 608390.

Allele frequency attached by ClinVar (database versions not stated): ExAC 0.00003; gnomAD 0.00042 and 0.00046; gnomAD exomes 0.00017; TOPMed 0.00038.
gnomAD v4.1: 134 of 1,608,334 alleles (0.0083%); highest among the groups gnomAD compares: Admixed American, 0.22%; no homozygotes.

Submissions (3):

Labcorp Genetics (formerly Invitae), Labcorp
Classification: Uncertain significance for Hyperkalemic periodic paralysis. Last evaluated: 2025-12-10. Review status: criteria provided, single submitter. Criteria: Invitae Variant Classification Sherloc (09022015). Collection method: clinical testing. Allele origin: germline.
Comment: This sequence change replaces arginine, which is basic and polar, with threonine, which is neutral and polar, at codon 3 of the SCN4A protein (p.Arg3Thr). The frequency data for this variant in the population databases is considered unreliable, as metrics indicate poor data quality at this position in the gnomAD database. This missense change has been observed in individual(s) with SCN4A-related conditions (PMID: 33146414). ClinVar contains an entry for this variant (Variation ID: 543812). Invitae Evidence Modeling of protein sequence and biophysical properties (such as structural, functional, and spatial information, amino acid conservation, physicochemical variation, residue mobility, and thermodynamic stability) indicates that this missense variant is not expected to disrupt SCN4A protein function with a negative predictive value of 95%. In summary, the available evidence is currently insufficient to determine the role of this variant in disease. Therefore, it has been classified as a Variant of Uncertain Significance.

Fulgent Genetics
Classification: Uncertain significance for Paramyotonia congenita of Von Eulenburg; Hyperkalemic periodic paralysis; Potassium-aggravated myotonia; Hypokalemic periodic paralysis, type 2; Congenital myasthenic syndrome 16; Congenital myopathy 22A, classic; Congenital myopathy 22B, severe fetal. Last evaluated: 2024-05-16. Review status: criteria provided, single submitter. Criteria: ACMG Guidelines, 2015. Collection method: clinical testing. Allele origin: germline.

Baylor Genetics
Classification: Uncertain significance for Congenital myasthenic syndrome 16. Last evaluated: 2017-09-01. Review status: criteria provided, single submitter. Criteria: ACMG Guidelines, 2015. Collection method: clinical testing. Allele origin: germline. Inheritance: Autosomal unknown.
Comment: Variant has also been seen in others in combination with additional variants (phase unknown) but without features of this syndrome.

Literature cited by the submitters: PubMed 33146414 (cited by Labcorp Genetics (formerly Invitae), Labcorp); PubMed 25326635 (cited by Baylor Genetics).